The following is an entry in ClinVar:

NM_002900.3(RBP3):c.1683G>A (p.Trp561Ter)

Gene: RBP3 (retinol binding protein 3; plus strand). Cytogenetic location: 10q11.22.
Variant type: single nucleotide variant.
Coding change: c.1683G>A on transcript NM_002900.3 (MANE Select); coding-DNA position 1683, G replaced by A.
Protein change: p.Trp561Ter; replaces tryptophan 561 with a stop codon.
Molecular consequence: nonsense.
Genome position (GRCh38, 1-based): chr10:47,350,167, G>A. VCF-style: chr10-47350167-G-A. GRCh37 (hg19) VCF-style: chr10-48389195-C-T.
Other names: short protein forms W561*.
Identifiers: ClinVar variation 2088257 (VCV002088257.4), dbSNP rs2549028800, ClinGen allele CA376671271.
Genomic context (GRCh38, chr10:47,350,167, plus strand): 5'-CAGCCACCGCACCGCCACGGCCGCGGAGGAGTTCGCCTTCCTTATGCAGTCGCTGGGCTG[G>A]GCCACACTGGTAGGTGAGATCACCGCGGGCAACCTGCTGCACACCCGCACGGTGCCGCTG-3'

ClinVar aggregate classification (germline): Pathogenic (1 of 4 stars; one submission).

Allele frequency attached by ClinVar (database versions not stated): gnomAD exomes below 0.00001.
gnomAD v4.1: 5 of 1,612,360 alleles (0.00031%); highest among the groups gnomAD compares: Non-Finnish European, 0.00042%; no homozygotes.

Submission:

Labcorp Genetics (formerly Invitae), Labcorp
Classification: Pathogenic. Last evaluated: 2022-03-15. Review status: criteria provided, single submitter. Criteria: Invitae Variant Classification Sherloc (09022015). Collection method: clinical testing. Allele origin: germline.
Comment: For these reasons, this variant has been classified as Pathogenic. This variant has not been reported in the literature in individuals affected with RBP3-related conditions. This variant is not present in population databases (gnomAD no frequency). This sequence change creates a premature translational stop signal (p.Trp561*) in the RBP3 gene. It is expected to result in an absent or disrupted protein product. Loss-of-function variants in RBP3 are known to be pathogenic (PMID: 9614228, 23105016, 25766589).

Literature cited by the submitters: PubMed 9614228; PubMed 23105016; PubMed 25766589.